The following is an entry in ClinVar:

NM_001379659.1(ZNF142):c.3904del (p.Ala1302fs)

Gene: ZNF142 (zinc finger protein 142; minus strand). Cytogenetic location: 2q35.
Variant type: Deletion.
Coding change: c.3904del on transcript NM_001379659.1 (MANE Select); coding-DNA position 3904, one base deleted (G; older notation c.3904delG).
Protein change: p.Ala1302fs; shifts the reading frame from alanine 1302.
Molecular consequence: frameshift variant.
Genome position (GRCh38, 1-based): chr2:218,643,212, C deleted on the plus strand (G on the coding strand, the reverse complement: ZNF142 is on the minus strand); the first of 5 consecutive C bases (chr2:218,643,212-218,643,216); deleting any one gives the same sequence. VCF-style (leftmost placement, unchanged base first): chr2-218643211-GC-G. GRCh37 (hg19) VCF-style: chr2-219507934-GC-G.
Other names: c.3300delG, p.Ala1102Leufs (NM_001105537.5, NM_001366291.3); c.2811delG, p.Ala939Leufs (NM_001366287.3, NM_001366288.3, NM_001366289.3); c.3904del, p.Ala1302fs (NM_001366290.3, NM_001379660.1, NM_001379661.1); c.3304del, p.Ala1102fs (NM_001379662.1); short protein forms A1102fs, A1302fs, A939fs.
Identifiers: ClinVar variation 2231947 (VCV002231947.2), dbSNP rs2469670740, ClinGen allele CA645520168.

ClinVar aggregate classification (germline): Pathogenic (1 of 4 stars; one submission).

Conditions:
Inborn genetic diseases. Identifiers: MedGen C0950123, MeSH D030342.

Submission:

Ambry Genetics
Classification: Pathogenic for Inborn genetic diseases. Last evaluated: 2022-09-02. Review status: criteria provided, single submitter. Criteria: Ambry Variant Classification Scheme 2023. Collection method: clinical testing. Allele origin: germline.
Comment: The c.3304delG (p.A1102Lfs*18) alteration, located in exon 8 (coding exon 5) of the ZNF142 gene, consists of a deletion of one nucleotide at position 3304, causing a translational frameshift with a predicted alternate stop codon after 18 amino acids. This alteration is expected to result in loss of function by premature protein truncation or nonsense-mediated mRNA decay. This variant was not reported in population-based cohorts in the Genome Aggregation Database (gnomAD). Based on the available evidence, this alteration is classified as pathogenic.